The following is an entry in ClinVar:

ClinVar aggregate classification (germline): Conflicting classifications of pathogenicity. Review status: criteria provided, conflicting classifications (1 of 4 stars). 3 submissions from 3 submitters: Likely pathogenic (1); Uncertain significance (2). Last evaluated 2026-01-12.

Conditions:
CNGA1-related disorder. Also called: CNGA1-related condition.
Retinitis pigmentosa 49 (RP49). Identifiers: Orphanet 791, MedGen C3151059, MONDO:0013405, OMIM 613756.

Allele frequency attached by ClinVar (database versions not stated): gnomAD 0.00001; gnomAD exomes 0.00001 and 0.00002; TOPMed 0.00001.
gnomAD v4.1: 29 of 1,605,610 alleles (0.0018%); highest among the groups gnomAD compares: South Asian, 0.0022%; no homozygotes.

Submissions (3):

3billion
Classification: Uncertain significance for Retinitis pigmentosa 49. Last evaluated: 2026-01-12. Review status: criteria provided, single submitter. Criteria: ACMG Guidelines, 2015. Collection method: clinical testing. Allele origin: germline. Affected: yes.
Comment: The variant is observed at an extremely low frequency in the gnomAD v4.1.0 dataset (total allele frequency: 0.002%). Predicted Consequence/Location: Missense variant. The majority of the known disease-causing variants of this gene are variants expected to result in premature termination of the protein. In silico tool predictions suggest damaging effect of the variant on gene or gene product [REVEL: 0.83 (>=0.6, sensitivity 0.68 and specificity 0.92); 3Cnet: 0.94 (> 0.75, sensitivity 0.96 and precision 0.92)]. The variant has been reported as of uncertain significance (ClinVar ID: VCV001013903; PMID: 38219857; 3billion dataset). Different missense changes at the same codon have been reported as of uncertain significance (ClinVar ID: VCV000236442). Therefore, this variant is classified as VUS according to the recommendation of ACMG/AMP guideline.

PreventionGenetics, part of Exact Sciences
Classification: Likely pathogenic for CNGA1-related condition. Last evaluated: 2025-09-22. Review status: criteria provided, single submitter. Criteria: ACMG Guidelines, 2015. Collection method: clinical testing. Allele origin: germline.
Comment: The CNGA1 c.640G>A variant is predicted to result in the amino acid substitution p.Asp214Asn. This variant has been reported along with a pathogenic CNGA1 variant in an individual with retinal disease (referred to as c.628G>A, p.Asp210Asn in Table S1, Lin et al. 2024. PubMed ID: 38219857). This variant has also been detected in the homozygous state and the compound heterozygous state with a pathogenic CNGA1 variant in individuals undergoing testing for retinitis pigmentosa (PreventionGenetics internal data). This variant is present in 0.0029% of alleles in individuals of Latino descent in gnomAD. This variant is interpreted as likely pathogenic.

Labcorp Genetics (formerly Invitae), Labcorp
Classification: Uncertain significance. Last evaluated: 2024-07-04. Review status: criteria provided, single submitter. Criteria: Invitae Variant Classification Sherloc (09022015). Collection method: clinical testing. Allele origin: germline.
Comment: This sequence change replaces aspartic acid, which is acidic and polar, with asparagine, which is neutral and polar, at codon 214 of the CNGA1 protein (p.Asp214Asn). This variant is present in population databases (no rsID available, gnomAD 0.003%). This missense change has been observed in individual(s) with retinitis pigmentosa (Invitae). ClinVar contains an entry for this variant (Variation ID: 1013903). An algorithm developed to predict the effect of missense changes on protein structure and function (PolyPhen-2) suggests that this variant is likely to be disruptive. This variant disrupts the p.Asp325 amino acid residue in CNGA1. Other variant(s) that disrupt this residue have been observed in individuals with CNGA1-related conditions (PMID: 27208204), which suggests that this may be a clinically significant amino acid residue. In summary, the available evidence is currently insufficient to determine the role of this variant in disease. Therefore, it has been classified as a Variant of Uncertain Significance.

Literature cited by the submitters: PubMed 27208204 (cited by Labcorp Genetics (formerly Invitae), Labcorp).

NM_001379270.1(CNGA1):c.628G>A (p.Asp210Asn)

Genes: CNGA1 (cyclic nucleotide gated channel subunit alpha 1; minus strand), LOC101927157 (uncharacterized LOC101927157; plus strand). Cytogenetic location: 4p12.
Variant type: single nucleotide variant.
Coding change: c.628G>A on transcript NM_001379270.1 (MANE Select); coding-DNA position 628, G replaced by A.
Protein change: p.Asp210Asn; replaces aspartic acid 210 with asparagine.
Molecular consequence: missense variant.
Genome position (GRCh38, 1-based): chr4:47,940,787, C>T on the plus strand (G>A on the coding strand, the complement: CNGA1 is on the minus strand). VCF-style: chr4-47940787-C-T. GRCh37 (hg19) VCF-style: chr4-47942804-C-T.
Other names: c.628G>A, p.Asp210Asn (NM_000087.5, NM_001142564.2); c.640G>A (NM_000087.3); short protein forms D210N.
Identifiers: ClinVar variation 1013903 (VCV001013903.10), dbSNP rs1198139574, ClinGen allele CA356830822.